The following is an entry in ClinVar:

ClinVar aggregate classification (germline): Uncertain significance (1 of 4 stars; one submission).

Conditions:
Inborn genetic diseases. Identifiers: MedGen C0950123, MeSH D030342.

Submission:

Ambry Genetics
Classification: Uncertain significance for Inborn genetic diseases. Last evaluated: 2025-09-01. Review status: criteria provided, single submitter. Criteria: Ambry Variant Classification Scheme 2023. Collection method: clinical testing. Allele origin: germline.
Comment: The p.S356C variant (also known as c.1067C>G), located in coding exon 1 of the SAMD9L gene, results from a C to G substitution at nucleotide position 1067. The serine at codon 356 is replaced by cysteine, an amino acid with dissimilar properties. This amino acid position is conserved. In addition, this alteration is predicted to be tolerated by in silico analysis. Based on the available evidence, the clinical significance of this variant remains unclear.

NM_152703.5(SAMD9L):c.1067C>G (p.Ser356Cys)

Gene: SAMD9L (sterile alpha motif domain containing 9 like; minus strand). Cytogenetic location: 7q21.2.
Variant type: single nucleotide variant.
Coding change: c.1067C>G on transcript NM_152703.5 (MANE Select); coding-DNA position 1067, C replaced by G.
Protein change: p.Ser356Cys; replaces serine 356 with cysteine.
Molecular consequence: missense variant.
Genome position (GRCh38, 1-based): chr7:93,134,905, G>C on the plus strand (C>G on the coding strand, the complement: SAMD9L is on the minus strand). VCF-style: chr7-93134905-G-C. GRCh37 (hg19) VCF-style: chr7-92764218-G-C.
Other names: c.1067C>G, p.Ser356Cys (NM_001303496.3, NM_001303497.3, NM_001303498.3 and 5 more transcripts); short protein forms S356C.
Identifiers: ClinVar variation 4159452 (VCV004159452.1).